The following is an entry in ClinVar:

ClinVar aggregate classification (germline): Uncertain significance (1 of 4 stars; one submission).

Submission:

Labcorp Genetics (formerly Invitae), Labcorp
Classification: Uncertain significance. Last evaluated: 2022-08-23. Review status: criteria provided, single submitter. Criteria: Invitae Variant Classification Sherloc (09022015). Collection method: clinical testing. Allele origin: germline.
Comment: A copy number gain of the genomic region encompassing the full coding sequence of the TONSL gene has been identified. The boundaries of this event are unknown as they extend beyond the assayed region for this gene and therefore may encompass additional genes. As the precise location of this event is unknown, it may be in tandem or it may be located elsewhere in the genome. This variant has not been reported in the literature in individuals affected with TONSL-related conditions. Experimental studies and prediction algorithms are not available or were not evaluated, and the functional significance of this variant is currently unknown. In summary, the available evidence is currently insufficient to determine the role of this variant in disease. Therefore, it has been classified as a Variant of Uncertain Significance.

NC_000008.10:g.(?_145654526)_(145669797_?)dup

Gene: TONSL (tonsoku like, DNA repair protein; minus strand). Cytogenetic location: 8q24.3.
Variant type: Duplication.
Identifiers: ClinVar variation 2425867 (VCV002425867.2).